The following is an entry in ClinVar:

ClinVar aggregate classification (germline): Uncertain significance (1 of 4 stars; one submission).

Allele frequency attached by ClinVar (database versions not stated): gnomAD exomes below 0.00001.
gnomAD v4.1: 3 of 1,614,176 alleles (0.00019%); highest among the groups gnomAD compares: Non-Finnish European, 0.00025%; no homozygotes.

Submission:

Ambry Genetics
Classification: Uncertain significance. Last evaluated: 2023-06-25. Review status: criteria provided, single submitter. Criteria: Ambry Variant Classification Scheme 2023. Collection method: clinical testing. Allele origin: germline.
Comment: The p.N404S variant (also known as c.1211A>G), located in coding exon 13 of the NPAT gene, results from an A to G substitution at nucleotide position 1211. The asparagine at codon 404 is replaced by serine, an amino acid with highly similar properties. This amino acid position is conserved. In addition, this alteration is predicted to be tolerated by in silico analysis. Since supporting evidence is limited at this time, the clinical significance of this alteration remains unclear.

NM_002519.3(NPAT):c.1211A>G (p.Asn404Ser)

Gene: NPAT (nuclear protein, coactivator of histone transcription; minus strand). Cytogenetic location: 11q22.3.
Variant type: single nucleotide variant.
Coding change: c.1211A>G on transcript NM_002519.3 (MANE Select); coding-DNA position 1211, A replaced by G.
Protein change: p.Asn404Ser; replaces asparagine 404 with serine.
Molecular consequence: missense variant.
Genome position (GRCh38, 1-based): chr11:108,173,773, T>C on the plus strand (A>G on the coding strand, the complement: NPAT is on the minus strand). VCF-style: chr11-108173773-T-C. GRCh37 (hg19) VCF-style: chr11-108044500-T-C.
Other names: c.1211A>G, p.Asn404Ser (NM_001321307.1); short protein forms N404S.
Identifiers: ClinVar variation 2624974 (VCV002624974.2), dbSNP rs2496722163, ClinGen allele CA382516006.
Genomic context (GRCh38, chr11:108,173,773, plus strand): 5'-TGTATGCTGGTACTTATTTGGGAAAAATTTTCCTGGTCTTCTTGTCTAAGCACATCATGG[T>C]TGTTGCTATTCTTCAAAGCATTTAATGGGTCATCATTCTGATAGGATGTACAAAAAGCGG-3'
Protein context (NP_002510.2, residues 394-414): DPLNALKNSN[Asn404Ser]HDVLRQEDQE